The following is an entry in ClinVar:

ClinVar aggregate classification (germline): Uncertain significance. Review status: criteria provided, multiple submitters, no conflicts (2 of 4 stars). 2 submissions from 2 submitters: Uncertain significance (2). Last evaluated 2025-11-12.

Conditions:
X-linked Alport syndrome (ATS1). Also called: NEPHROPATHY AND DEAFNESS, X-LINKED; COL4A5-Related Nephropathy. Identifiers: Orphanet 63, Orphanet 88917, MedGen C4746986, MONDO:0010520, OMIM 301050.

Allele frequency attached by ClinVar (database versions not stated): TOPMed 0.00002.

Submissions (2):

Labcorp Genetics (formerly Invitae), Labcorp
Classification: Uncertain significance. Last evaluated: 2025-11-12. Review status: criteria provided, single submitter. Criteria: Invitae Variant Classification Sherloc (09022015). Collection method: clinical testing. Allele origin: germline.
Comment: This sequence change replaces methionine, which is neutral and non-polar, with valine, which is neutral and non-polar, at codon 1657 of the COL4A5 protein (p.Met1657Val). This variant is not present in population databases (gnomAD no frequency). This variant has not been reported in the literature in individuals affected with COL4A5-related conditions. ClinVar contains an entry for this variant (Variation ID: 1030830). Invitae Evidence Modeling of protein sequence and biophysical properties (such as structural, functional, and spatial information, amino acid conservation, physicochemical variation, residue mobility, and thermodynamic stability) has been performed for this missense variant. However, the output from this modeling did not meet the statistical confidence thresholds required to predict the impact of this variant on COL4A5 protein function. In summary, the available evidence is currently insufficient to determine the role of this variant in disease. Therefore, it has been classified as a Variant of Uncertain Significance.

Baylor Genetics
Classification: Uncertain significance for X-linked Alport syndrome. Last evaluated: 2019-11-07. Review status: criteria provided, single submitter. Criteria: ACMG Guidelines, 2015. Collection method: clinical testing. Allele origin: unknown. Affected: yes.
Comment: This variant was determined to be of uncertain significance according to ACMG Guidelines, 2015 [PMID:25741868].

NM_033380.3(COL4A5):c.4987A>G (p.Met1663Val)

Gene: COL4A5 (collagen type IV alpha 5 chain; plus strand). Cytogenetic location: Xq22.3.
Variant type: single nucleotide variant.
Coding change: c.4987A>G on transcript NM_033380.3 (MANE Select); coding-DNA position 4987, A replaced by G.
Protein change: p.Met1663Val; replaces methionine 1663 with valine.
Molecular consequence: missense variant.
Genome position (GRCh38, 1-based): chrX:108,695,432, A>G. VCF-style: chrX-108695432-A-G. GRCh37 (hg19) VCF-style: chrX-107938662-A-G.
Other names: c.4969A>G, p.Met1657Val (NM_000495.5); short protein forms M1663V, M1657V.
Identifiers: ClinVar variation 1030830 (VCV001030830.2), dbSNP rs1316943771, ClinGen allele CA414132998.